The following is an entry in ClinVar:

NM_172362.3(KCNH1):c.2453G>A (p.Gly818Glu)

Gene: KCNH1 (potassium voltage-gated channel subfamily H member 1; minus strand). Cytogenetic location: 1q32.2.
Variant type: single nucleotide variant.
Coding change: c.2453G>A on transcript NM_172362.3 (MANE Select); coding-DNA position 2453, G replaced by A.
Protein change: p.Gly818Glu; replaces glycine 818 with glutamic acid.
Molecular consequence: missense variant.
Genome position (GRCh38, 1-based): chr1:210,683,798, C>T on the plus strand (G>A on the coding strand, the complement: KCNH1 is on the minus strand). VCF-style: chr1-210683798-C-T. GRCh37 (hg19) VCF-style: chr1-210857140-C-T.
Other names: c.2372G>A, p.Gly791Glu (NM_002238.4); short protein forms G791E, G818E.
Identifiers: ClinVar variation 3704129 (VCV003704129.2).
Genomic context (GRCh38, chr1:210,683,798, plus strand): 5'-GCCCAGCTTTTGCGCTTGGCACAATCGCCCCCGCCCCCCTTGGGGCCCAGGCACTCGGAC[C>T]CTGGCGCCTGTAGCTTTGCGTGGTCTGGCACCCCGGAGGTGGAGGCTGCCTGGAAGGATA-3'
Protein context (NP_758872.1, residues 808-828): VPDHAKLQAP[Gly818Glu]SECLGPKGGG

ClinVar aggregate classification (germline): Uncertain significance (1 of 4 stars; one submission).

gnomAD v4.1: 13 of 1,613,786 alleles (0.00081%); highest among the groups gnomAD compares: East Asian, 0.0022%; no homozygotes.

Submission:

Labcorp Genetics (formerly Invitae), Labcorp
Classification: Uncertain significance. Last evaluated: 2024-11-21. Review status: criteria provided, single submitter. Criteria: Invitae Variant Classification Sherloc (09022015). Collection method: clinical testing. Allele origin: germline.
Comment: This sequence change replaces glycine, which is neutral and non-polar, with glutamic acid, which is acidic and polar, at codon 818 of the KCNH1 protein (p.Gly818Glu). This variant is present in population databases (rs747517591, gnomAD 0.0009%). This variant has not been reported in the literature in individuals affected with KCNH1-related conditions. Invitae Evidence Modeling of protein sequence and biophysical properties (such as structural, functional, and spatial information, amino acid conservation, physicochemical variation, residue mobility, and thermodynamic stability) indicates that this missense variant is not expected to disrupt KCNH1 protein function with a negative predictive value of 95%. In summary, the available evidence is currently insufficient to determine the role of this variant in disease. Therefore, it has been classified as a Variant of Uncertain Significance.